The following is an entry in ClinVar:

ClinVar aggregate classification (germline): Uncertain significance. Review status: criteria provided, multiple submitters, no conflicts (2 of 4 stars). 2 submissions from 2 submitters: Uncertain significance (2). Last evaluated 2022-10-25.

Conditions:
Epilepsy, familial adult myoclonic, 5 (EPEO5). Also called: CORTICAL MYOCLONIC TREMOR WITH EPILEPSY, FAMILIAL, 5. Identifiers: Orphanet 86814, MedGen C3809374, MONDO:0014167, OMIM 615400.

Allele frequency attached by ClinVar (database versions not stated): gnomAD 0.00003 and 0.00004; gnomAD exomes 0.00004 and 0.00007; ExAC 0.00006; TOPMed 0.00008; ESP Exome Variant Server 0.00015.
gnomAD v4.1: 60 of 1,614,090 alleles (0.0037%); highest among the groups gnomAD compares: Admixed American, 0.032%; no homozygotes.

Submissions (2):

Labcorp Genetics (formerly Invitae), Labcorp
Classification: Uncertain significance for Epilepsy, familial adult myoclonic, 5. Last evaluated: 2022-10-25. Review status: criteria provided, single submitter. Criteria: Invitae Variant Classification Sherloc (09022015). Collection method: clinical testing. Allele origin: germline.
Comment: This sequence change replaces threonine, which is neutral and polar, with methionine, which is neutral and non-polar, at codon 179 of the CNTN2 protein (p.Thr179Met). This variant is present in population databases (rs376459307, gnomAD 0.04%). This variant has not been reported in the literature in individuals affected with CNTN2-related conditions. ClinVar contains an entry for this variant (Variation ID: 474486). Advanced modeling of protein sequence and biophysical properties (such as structural, functional, and spatial information, amino acid conservation, physicochemical variation, residue mobility, and thermodynamic stability) performed at Invitae indicates that this missense variant is not expected to disrupt CNTN2 protein function. In summary, the available evidence is currently insufficient to determine the role of this variant in disease. Therefore, it has been classified as a Variant of Uncertain Significance.

Ambry Genetics
Classification: Uncertain significance. Last evaluated: 2021-08-12. Review status: criteria provided, single submitter. Criteria: Ambry Variant Classification Scheme 2023. Collection method: clinical testing. Allele origin: germline.

NM_005076.5(CNTN2):c.536C>T (p.Thr179Met)

Gene: CNTN2 (contactin 2; plus strand). Cytogenetic location: 1q32.1.
Variant type: single nucleotide variant.
Coding change: c.536C>T on transcript NM_005076.5 (MANE Select); coding-DNA position 536, C replaced by T.
Protein change: p.Thr179Met; replaces threonine 179 with methionine.
Molecular consequence: missense variant. On other transcripts: non-coding transcript variant (1).
Genome position (GRCh38, 1-based): chr1:205,059,132, C>T. VCF-style: chr1-205059132-C-T. GRCh37 (hg19) VCF-style: chr1-205028260-C-T.
Other names: c.536C>T, p.Thr179Met (NM_001346083.2); short protein forms T179M.
Identifiers: ClinVar variation 474486 (VCV000474486.6), dbSNP rs376459307, ClinGen allele CA1351075.
Genomic context (GRCh38, chr1:205,059,132, plus strand): 5'-CTCACATCCTAGGCTTGTCCTACCGCTGGCTCCTCAACGAGTTCCCCAACTTCATCCCGA[C>T]GGACGGGCGTCACTTCGTGTCCCAGACCACAGGGAACCTGTACATTGCCCGAACCAATGC-3'
Protein context (NP_005067.1, residues 169-189): LLNEFPNFIP[Thr179Met]DGRHFVSQTT